The following is an entry in ClinVar:

NC_000016.9:g.(?_17451859)_(17451917_?)del

Gene: XYLT1 (xylosyltransferase 1; minus strand). Cytogenetic location: 16p12.3.
Variant type: Deletion.
Identifiers: ClinVar variation 1064324 (VCV001064324.2).

ClinVar aggregate classification (germline): Uncertain significance (1 of 4 stars; one submission).

Conditions:
Desbuquois dysplasia 1 (DBQD1). Also called: DESBUQUOIS DYSPLASIA 1, KIM VARIANT; MICROMELIC DWARFISM WITH VERTEBRAL AND METAPHYSEAL ABNORMALITIES AND ADVANCED CARPOTARSAL OSSIFICATION. Identifiers: Orphanet 1425, MedGen C4012146, MONDO:0009629, OMIM 251450.

Submission:

Labcorp Genetics (formerly Invitae), Labcorp
Classification: Uncertain significance for Desbuquois dysplasia 1. Last evaluated: 2020-08-25. Review status: criteria provided, single submitter. Criteria: Invitae Variant Classification Sherloc (09022015). Collection method: clinical testing. Allele origin: germline.
Comment: This variant is an in-frame deletion of the genomic region encompassing exon 2 of the XYLT1 gene. It preserves the integrity of the reading frame. This variant has not been reported in the literature in individuals with XYLT1-related conditions. Experimental studies and prediction algorithms are not available or were not evaluated, and the functional significance of this variant is currently unknown. In summary, the available evidence is currently insufficient to determine the role of this variant in disease. Therefore, it has been classified as a Variant of Uncertain Significance.